The following is an entry in ClinVar:

ClinVar aggregate classification (germline): Uncertain significance (1 of 4 stars; one submission).

Submission:

Ambry Genetics
Classification: Uncertain significance. Last evaluated: 2025-07-28. Review status: criteria provided, single submitter. Criteria: Ambry Variant Classification Scheme 2023. Collection method: clinical testing. Allele origin: germline.
Comment: The p.H1564Q variant (also known as c.4692C>G), located in coding exon 19 of the WNK2 gene, results from a C to G substitution at nucleotide position 4692. The histidine at codon 1564 is replaced by glutamine, an amino acid with highly similar properties. This amino acid position is conserved. In addition, this alteration is predicted to be tolerated by in silico analysis. Based on the available evidence, the clinical significance of this variant remains unclear.

NM_006648.4(WNK2):c.4692C>G (p.His1564Gln)

Gene: WNK2 (WNK lysine deficient protein kinase 2; plus strand). Cytogenetic location: 9q22.31.
Variant type: single nucleotide variant.
Coding change: c.4692C>G on transcript NM_006648.4 (MANE Select); coding-DNA position 4692, C replaced by G.
Protein change: p.His1564Gln; replaces histidine 1564 with glutamine.
Molecular consequence: missense variant.
Genome position (GRCh38, 1-based): chr9:93,289,446, C>G. VCF-style: chr9-93289446-C-G. GRCh37 (hg19) VCF-style: chr9-96051728-C-G.
Other names: c.4803C>G, p.His1601Gln (NM_001282394.3); short protein forms H1564Q, H1601Q.
Identifiers: ClinVar variation 4201679 (VCV004201679.1).
Genomic context (GRCh38, chr9:93,289,446, plus strand): 5'-TGTGGACAGCACCATCAAGAGCCTGGACGAGAAGCTGCGGACTCTGCTCTACCAGGAGCA[C>G]GTGCCCACCTCCTCAGCCTCAGCTGGGACCCCTGTGGAGGTGGGCGACAGAGACTTCACC-3'
Protein context (NP_006639.3, residues 1554-1574): EKLRTLLYQE[His1564Gln]VPTSSASAGT